The following is an entry in ClinVar:

ClinVar aggregate classification (germline): Pathogenic (1 of 4 stars; one submission).

Submission:

Labcorp Genetics (formerly Invitae), Labcorp
Classification: Pathogenic. Last evaluated: 2024-05-16. Review status: criteria provided, single submitter. Criteria: Invitae Variant Classification Sherloc (09022015). Collection method: clinical testing. Allele origin: germline.
Comment: This sequence change creates a premature translational stop signal (p.Ser849*) in the HPS3 gene. It is expected to result in an absent or disrupted protein product. Loss-of-function variants in HPS3 are known to be pathogenic (PMID: 11590544). This variant is not present in population databases (gnomAD no frequency). This variant has not been reported in the literature in individuals affected with HPS3-related conditions. For these reasons, this variant has been classified as Pathogenic.

Literature cited by the submitters: PubMed 11590544.

NM_032383.5(HPS3):c.2546_2549del (p.Asp848_Ser849insTer)

Genes: CP (ceruloplasmin; minus strand), HPS3 (HPS3 biogenesis of lysosomal organelles complex 2 subunit 1; plus strand). Cytogenetic location: 3q24.
Variant type: Deletion.
Coding change: c.2546_2549del on transcript NM_032383.5 (MANE Select); coding-DNA positions 2546 to 2549, 4 bases deleted (CTTT; older notation c.2546_2549delCTTT).
Protein change: p.Asp848_Ser849insTer.
Molecular consequence: nonsense.
Genome position (GRCh38, 1-based): chr3:149,163,906-149,163,909, CTTT deleted; deleting any 4 consecutive bases within chr3:149,163,904-149,163,909 gives the same sequence; the c. name uses the placement nearest the transcript's 3' end. VCF-style (leftmost placement, unchanged base first): chr3-149163903-ATTCT-A. GRCh37 (hg19) VCF-style: chr3-148881690-ATTCT-A.
Other names: c.2051_2054del, p.Asp683_Ser684insTer (NM_001308258.2).
Identifiers: ClinVar variation 2824672 (VCV002824672.3), dbSNP rs2473128700, ClinGen allele CA2739277877.